The following is an entry in ClinVar:

ClinVar aggregate classification (germline): Uncertain significance (1 of 4 stars; one submission).

Conditions:
Catecholaminergic polymorphic ventricular tachycardia (CVPT). Also called: Catecholamine-induced polymorphic ventricular tachycardia. Identifiers: Orphanet 3286, MedGen C5574922, MONDO:0017990.

Submission:

Labcorp Genetics (formerly Invitae), Labcorp
Classification: Uncertain significance for Catecholaminergic polymorphic ventricular tachycardia. Last evaluated: 2019-11-11. Review status: criteria provided, single submitter. Criteria: Invitae Variant Classification Sherloc (09022015). Collection method: clinical testing. Allele origin: germline.
Comment: This variant is a gross duplication of the genomic region encompassing exons 2-11 of the CASQ2 gene. The 5' boundary is likely confined to intron 1. The 3' end of this event is unknown as it extends beyond the assayed region for this gene and therefore may encompass additional genes. The exact location of this variant in the genome is unknown. This variant has not been reported in the literature in individuals with CASQ2-related disease. Experimental studies and prediction algorithms are not available for this variant, and the functional significance of the duplicated amino acid(s) is currently unknown. In summary, the available evidence is currently insufficient to determine the role of this variant in disease. Therefore, it has been classified as a Variant of Uncertain Significance.

NC_000001.11:g.(?_115701231)_(115744922_?)dup

Gene: CASQ2 (calsequestrin 2; minus strand). Cytogenetic location: 1p13.1.
Variant type: Duplication.
Identifiers: ClinVar variation 830824 (VCV000830824.2).